The following is an entry in ClinVar:

ClinVar aggregate classification (germline): Uncertain significance (1 of 4 stars; one submission).

Submission:

GeneDx
Classification: Uncertain significance. Last evaluated: 2024-04-01. Review status: criteria provided, single submitter. Criteria: GeneDx Variant Classification Process June 2021. Collection method: clinical testing. Allele origin: germline. Affected: yes.
Comment: Not observed at significant frequency in large population cohorts (gnomAD); In silico analysis supports that this missense variant has a deleterious effect on protein structure/function; Has not been previously published as pathogenic or benign to our knowledge

NM_001377265.1(MAPT):c.2113G>T (p.Val705Phe)

Gene: MAPT (microtubule associated protein tau). Cytogenetic location: 17q21.31.
Variant type: single nucleotide variant.
Coding change: c.2113G>T on transcript NM_001377265.1 (MANE Select); coding-DNA position 2113, G replaced by T.
Protein change: p.Val705Phe; replaces valine 705 with phenylalanine.
Molecular consequence: missense variant. On other transcripts: non-coding transcript variant (1).
Genome position (GRCh38, 1-based): chr17:46,014,264, G>T. VCF-style: chr17-46014264-G-T. GRCh37 (hg19) VCF-style: chr17-44091630-G-T.
Other names: c.1942G>T, p.Val648Phe (NM_001123066.4); c.850G>T, p.Val284Phe (NM_001123067.4); c.757G>T, p.Val253Phe (NM_001203251.2, NM_001377267.1); c.844G>T, p.Val282Phe (NM_001203252.2); c.1822G>T, p.Val608Phe (NM_001377266.1); c.670G>T, p.Val224Phe (NM_001377268.1, NM_016841.5); c.937G>T, p.Val313Phe (NM_005910.6); c.763G>T, p.Val255Phe (NM_016834.5); and 1 more; short protein forms V224F, V253F, V255F, V282F, V284F, V313F, V608F, V630F.
Identifiers: ClinVar variation 3371984 (VCV003371984.1).